The following is an entry in ClinVar:

NM_031935.3(HMCN1):c.10379A>G (p.Asp3460Gly)

Gene: HMCN1 (hemicentin 1; plus strand). Cytogenetic location: 1q31.1.
Variant type: single nucleotide variant.
Coding change: c.10379A>G on transcript NM_031935.3 (MANE Select); coding-DNA position 10379, A replaced by G.
Protein change: p.Asp3460Gly; replaces aspartic acid 3460 with glycine.
Molecular consequence: missense variant.
Genome position (GRCh38, 1-based): chr1:186,095,327, A>G. VCF-style: chr1-186095327-A-G. GRCh37 (hg19) VCF-style: chr1-186064459-A-G.
Other names: short protein forms D3460G.
Identifiers: ClinVar variation 3648990 (VCV003648990.2).
Genomic context (GRCh38, chr1:186,095,327, plus strand): 5'-TGGGGACAGAGGAAATCACAGTTCTCAAAGGTAGTTCCACCTCTATGGCATGCATTACTG[A>G]TGGAACCCCAGCTCCCAGTATGGCCTGGCTTAGAGATGGCCAGCCTCTGGGGCTTGATGC-3'
Protein context (NP_114141.2, residues 3450-3470): GSSTSMACIT[Asp3460Gly]GTPAPSMAWL

ClinVar aggregate classification (germline): Uncertain significance (1 of 4 stars; one submission).

Submission:

Labcorp Genetics (formerly Invitae), Labcorp
Classification: Uncertain significance. Last evaluated: 2024-05-01. Review status: criteria provided, single submitter. Criteria: Invitae Variant Classification Sherloc (09022015). Collection method: clinical testing. Allele origin: germline.
Comment: This sequence change replaces aspartic acid, which is acidic and polar, with glycine, which is neutral and non-polar, at codon 3460 of the HMCN1 protein (p.Asp3460Gly). This variant is not present in population databases (gnomAD no frequency). This variant has not been reported in the literature in individuals affected with HMCN1-related conditions. An algorithm developed to predict the effect of missense changes on protein structure and function (PolyPhen-2) suggests that this variant is likely to be tolerated. In summary, the available evidence is currently insufficient to determine the role of this variant in disease. Therefore, it has been classified as a Variant of Uncertain Significance.